The following is an entry in ClinVar:

NM_030777.4(SLC2A10):c.*1100T>G

Gene: SLC2A10 (solute carrier family 2 member 10; plus strand). Cytogenetic location: 20q13.12.
Variant type: single nucleotide variant.
Coding change: c.*1100T>G on transcript NM_030777.4 (MANE Select); 1100 bases downstream of the stop codon, T replaced by G.
Molecular consequence: 3 prime UTR variant.
Genome position (GRCh38, 1-based): chr20:46,734,934, T>G. VCF-style: chr20-46734934-T-G. GRCh37 (hg19) VCF-style: chr20-45363573-T-G.
Identifiers: ClinVar variation 338619 (VCV000338619.5), dbSNP rs6094450, ClinGen allele CA10649806.
Genomic context (GRCh38, chr20:46,734,934, plus strand): 5'-CAATATTGCCTTTGCCTCTTGGCAGCCCTTGAACTTGAGTAAATAACAACTCCCTGAACC[T>G]CAGTTTCCTCATCTGCAGAATGGGGATAATTATGTCCCAGGGGTATATTTAGACCCTGTT-3'

ClinVar aggregate classification (germline): Benign (1 of 4 stars; one submission).

Conditions:
Arterial tortuosity syndrome (ATORS). Identifiers: Orphanet 3342, MedGen C1859726, MONDO:0008818, OMIM 208050.

Allele frequency attached by ClinVar (database versions not stated): gnomAD 0.00819 and 0.00880; 1000 Genomes Project 0.00919; 1000 Genomes Project 30x 0.00937; TOPMed 0.00952.

Submission:

Illumina Laboratory Services, Illumina
Classification: Benign for Arterial tortuosity syndrome. Last evaluated: 2018-01-13. Review status: criteria provided, single submitter. Criteria: ICSL Variant Classification Criteria 13 December 2019. Collection method: clinical testing. Allele origin: germline.
Comment: This variant was observed in the ICSL laboratory as part of a predisposition screen in an ostensibly healthy population. It had not been previously curated by ICSL or reported in the Human Gene Mutation Database (HGMD: prior to June 1st, 2018), and was therefore a candidate for classification through an automated scoring system. Utilizing variant allele frequency, disease prevalence and penetrance estimates, and inheritance mode, an automated score was calculated to assess if this variant is too frequent to cause the disease. Based on the score and internal cut-off values, a variant classified as benign is not then subjected to further curation. The score for this variant resulted in a classification of benign for this disease.